The following is an entry in ClinVar:

NM_001113378.2(FANCI):c.3036G>T (p.Lys1012Asn)

Gene: FANCI (FA complementation group I; plus strand). Cytogenetic location: 15q26.1.
Variant type: single nucleotide variant.
Coding change: c.3036G>T on transcript NM_001113378.2 (MANE Select); coding-DNA position 3036, G replaced by T.
Protein change: p.Lys1012Asn; replaces lysine 1012 with asparagine.
Molecular consequence: missense variant.
Genome position (GRCh38, 1-based): chr15:89,303,893, G>T. VCF-style: chr15-89303893-G-T. GRCh37 (hg19) VCF-style: chr15-89847124-G-T.
Other names: c.2757G>T, p.Lys919Asn (NM_001376910.1); c.3036G>T, p.Lys1012Asn (NM_001376911.1); c.2856G>T, p.Lys952Asn (NM_018193.3); short protein forms K1012N, K919N, K952N.
Identifiers: ClinVar variation 1719513 (VCV001719513.5), dbSNP rs2054615585, ClinGen allele CA393738730.

ClinVar aggregate classification (germline): Uncertain significance (1 of 4 stars; one submission).

Conditions:
Fanconi anemia (FA). Also called: Fanconi's anemia. Identifiers: Orphanet 84, MedGen C0015625, MeSH D005199, MONDO:0019391.

Submission:

Labcorp Genetics (formerly Invitae), Labcorp
Classification: Uncertain significance for Fanconi anemia. Last evaluated: 2022-09-15. Review status: criteria provided, single submitter. Criteria: Invitae Variant Classification Sherloc (09022015). Collection method: clinical testing. Allele origin: germline.
Comment: Algorithms developed to predict the effect of missense changes on protein structure and function (SIFT, PolyPhen-2, Align-GVGD) all suggest that this variant is likely to be tolerated. This sequence change replaces lysine, which is basic and polar, with asparagine, which is neutral and polar, at codon 1012 of the FANCI protein (p.Lys1012Asn). This variant is not present in population databases (gnomAD no frequency). This variant has not been reported in the literature in individuals affected with FANCI-related conditions. Algorithms developed to predict the effect of sequence changes on RNA splicing suggest that this variant may disrupt the consensus splice site. In summary, the available evidence is currently insufficient to determine the role of this variant in disease. Therefore, it has been classified as a Variant of Uncertain Significance.